The following is an entry in ClinVar:

NM_005343.4(HRAS):c.-53-17A>G

Genes: LRRC56 (leucine rich repeat containing 56; plus strand), HRAS (HRas proto-oncogene, GTPase; minus strand). Cytogenetic location: 11p15.5.
Variant type: single nucleotide variant.
Coding change: c.-53-17A>G on transcript NM_005343.4 (MANE Select); 17 bases into the intron before 53 bases upstream of the start codon, A replaced by G.
Molecular consequence: intron variant.
Genome position (GRCh38, 1-based): chr11:534,392, T>C on the plus strand (A>G on the coding strand, the complement: HRAS is on the minus strand). VCF-style: chr11-534392-T-C. GRCh37 (hg19) VCF-style: chr11-534392-T-C.
Other names: c.-53-17A>G (NM_001130442.3, NM_176795.5); c.-372-17A>G (NM_001318054.2).
Identifiers: ClinVar variation 381164 (VCV000381164.1), dbSNP rs544830383, ClinGen allele CA16606951.

ClinVar aggregate classification (germline): Benign (1 of 4 stars; one submission).

Allele frequency attached by ClinVar (database versions not stated): gnomAD 0.00003; TOPMed 0.00004; 1000 Genomes Project 30x 0.00016; 1000 Genomes Project 0.00020.
gnomAD v4.1: 23 of 1,314,918 alleles (0.0017%); highest among the groups gnomAD compares: East Asian, 0.052%; 1 homozygote.

Submission:

GeneDx
Classification: Benign. Last evaluated: 2018-03-05. Review status: criteria provided, single submitter. Criteria: GeneDx Variant Classification (06012015). Collection method: clinical testing. Allele origin: germline. Affected: yes.
Comment: This variant is considered likely benign or benign based on one or more of the following criteria: it is a conservative change, it occurs at a poorly conserved position in the protein, it is predicted to be benign by multiple in silico algorithms, and/or has population frequency not consistent with disease.